The following is an entry in ClinVar:

NM_003482.4(KMT2D):c.14302A>T (p.Lys4768Ter)

Gene: KMT2D (lysine methyltransferase 2D; minus strand). Cytogenetic location: 12q13.12.
Variant type: single nucleotide variant.
Coding change: c.14302A>T on transcript NM_003482.4 (MANE Select); coding-DNA position 14302, A replaced by T.
Protein change: p.Lys4768Ter; replaces lysine 4768 with a stop codon.
Molecular consequence: nonsense.
Genome position (GRCh38, 1-based): chr12:49,028,908, T>A on the plus strand (A>T on the coding strand, the complement: KMT2D is on the minus strand). VCF-style: chr12-49028908-T-A. GRCh37 (hg19) VCF-style: chr12-49422691-T-A.
Other names: short protein forms K4768*.
Identifiers: ClinVar variation 2850639 (VCV002850639.3), dbSNP rs2120387696, ClinGen allele CA384696341.
Genomic context (GRCh38, chr12:49,028,908, plus strand): 5'-CTGTGAGCATGACTGACACCTCACTTCCTTTGCCCTTTTCCCAAGTTGTGACAGGCAGCT[T>A]TCCAGGGACCTCCAGGCCAAGGGCCCCATAAGGTTTGGTATCTGGGAAGACTGAATGAGA-3'

ClinVar aggregate classification (germline): Pathogenic (1 of 4 stars; one submission).

Conditions:
Kabuki syndrome. Also called: Kabuki make-up syndrome; NIIKAWA-KUROKI SYNDROME. Identifiers: Orphanet 2322, MedGen C0796004, MONDO:0016512.

Submission:

Labcorp Genetics (formerly Invitae), Labcorp
Classification: Pathogenic for Kabuki syndrome. Last evaluated: 2023-03-29. Review status: criteria provided, single submitter. Criteria: Invitae Variant Classification Sherloc (09022015). Collection method: clinical testing. Allele origin: germline.
Comment: This sequence change creates a premature translational stop signal (p.Lys4768*) in the KMT2D gene. It is expected to result in an absent or disrupted protein product. Loss-of-function variants in KMT2D are known to be pathogenic (PMID: 22126750). This variant is not present in population databases (gnomAD no frequency). This variant has not been reported in the literature in individuals affected with KMT2D-related conditions. For these reasons, this variant has been classified as Pathogenic.

Literature cited by the submitters: PubMed 22126750.